The following is an entry in ClinVar:

ClinVar aggregate classification (germline): Likely benign. Review status: criteria provided, multiple submitters, no conflicts (2 of 4 stars). 2 submissions from 2 submitters: Likely benign (2). Last evaluated 2026-02-01.

Conditions:
Axenfeld-Rieger syndrome type 3 (RIEG3). Also called: AXENFELD-RIEGER ANOMALY WITH CARDIAC DEFECTS AND/OR SENSORINEURAL HEARING LOSS. Identifiers: Orphanet 782, MedGen C2678503, MONDO:0011233, OMIM 602482.

Allele frequency attached by ClinVar (database versions not stated): gnomAD exomes 0.00003 and 0.00004; gnomAD 0.00022 and 0.00026; TOPMed 0.00035.

Submissions (2):

CeGaT Center for Human Genetics Tuebingen
Classification: Likely benign. Last evaluated: 2026-02-01. Review status: criteria provided, single submitter. Criteria: CeGaT Center For Human Genetics Tuebingen Variant Classification Criteria Version 2. Collection method: clinical testing. Allele origin: germline. Affected: yes. Observed: 1 variant allele.
Comment: FOXC1: BP4, BP7, BS1

Labcorp Genetics (formerly Invitae), Labcorp
Classification: Likely benign for Axenfeld-Rieger syndrome type 3. Last evaluated: 2025-05-27. Review status: criteria provided, single submitter. Criteria: Invitae Variant Classification Sherloc (09022015). Collection method: clinical testing. Allele origin: germline.

NM_001453.3(FOXC1):c.843G>T (p.Arg281=)

Gene: FOXC1 (forkhead box C1; plus strand). Cytogenetic location: 6p25.3.
Variant type: single nucleotide variant.
Coding change: c.843G>T on transcript NM_001453.3 (MANE Select); coding-DNA position 843, G replaced by T.
Protein change: p.Arg281=; no amino-acid change (arginine 281 retained).
Molecular consequence: synonymous variant.
Genome position (GRCh38, 1-based): chr6:1,611,288, G>T. VCF-style: chr6-1611288-G-T. GRCh37 (hg19) VCF-style: chr6-1611523-G-T.
Identifiers: ClinVar variation 729554 (VCV000729554.12), dbSNP rs1006154109, ClinGen allele CA133390639.